The following is an entry in ClinVar:

NM_000051.4(ATM):c.4860A>T (p.Gln1620His)

Gene: ATM (ATM serine/threonine kinase; plus strand). Cytogenetic location: 11q22.3.
Variant type: single nucleotide variant.
Coding change: c.4860A>T on transcript NM_000051.4 (MANE Select); coding-DNA position 4860, A replaced by T.
Protein change: p.Gln1620His; replaces glutamine 1620 with histidine.
Molecular consequence: missense variant.
Genome position (GRCh38, 1-based): chr11:108,295,010, A>T. VCF-style: chr11-108295010-A-T. GRCh37 (hg19) VCF-style: chr11-108165737-A-T.
Other names: c.4860A>T, p.Gln1620His (NM_001351834.2); short protein forms Q1620H.
Identifiers: ClinVar variation 1915242 (VCV001915242.5), dbSNP rs1057520446, ClinGen allele CA382537025.

ClinVar aggregate classification (germline): Uncertain significance (1 of 4 stars; one submission).

Conditions:
Ataxia-telangiectasia syndrome (AT). Also called: ATAXIA-TELANGIECTASIA, COMPLEMENTATION GROUP A; ATAXIA-TELANGIECTASIA, FRESNO VARIANT; Ataxia-telangiectasia, complementation group E; Cerebello-oculocutaneous telangiectasia; Immunodeficiency with ataxia telangiectasia; Ataxia telangiectasia (A-T). Identifiers: Orphanet 100, MedGen C0004135, MONDO:0008840, OMIM 208900.

Submission:

Labcorp Genetics (formerly Invitae), Labcorp
Classification: Uncertain significance for Ataxia-telangiectasia syndrome. Last evaluated: 2021-11-29. Review status: criteria provided, single submitter. Criteria: Invitae Variant Classification Sherloc (09022015). Collection method: clinical testing. Allele origin: germline.
Comment: In summary, the available evidence is currently insufficient to determine the role of this variant in disease. Therefore, it has been classified as a Variant of Uncertain Significance. Advanced modeling of protein sequence and biophysical properties (such as structural, functional, and spatial information, amino acid conservation, physicochemical variation, residue mobility, and thermodynamic stability) performed at Invitae indicates that this missense variant is not expected to disrupt ATM protein function. This variant has not been reported in the literature in individuals affected with ATM-related conditions. This variant is not present in population databases (gnomAD no frequency). This sequence change replaces glutamine, which is neutral and polar, with histidine, which is basic and polar, at codon 1620 of the ATM protein (p.Gln1620His).